The following is an entry in ClinVar:

ClinVar aggregate classification (germline): Pathogenic (1 of 4 stars; one submission).

Conditions:
Oculodentodigital dysplasia, autosomal recessive. Also called: OCULODENTOOSSEOUS DYSPLASIA, AUTOSOMAL RECESSIVE; ODDD, AUTOSOMAL RECESSIVE; ODOD, AUTOSOMAL RECESSIVE. Identifiers: Orphanet 2710, MedGen C2749477, MONDO:0009768, OMIM 257850.

Submission:

Labcorp Genetics (formerly Invitae), Labcorp
Classification: Pathogenic for Oculodentodigital dysplasia, autosomal recessive. Last evaluated: 2023-08-29. Review status: criteria provided, single submitter. Criteria: Invitae Variant Classification Sherloc (09022015). Collection method: clinical testing. Allele origin: germline.
Comment: Advanced modeling of protein sequence and biophysical properties (such as structural, functional, and spatial information, amino acid conservation, physicochemical variation, residue mobility, and thermodynamic stability) performed at Invitae indicates that this missense variant is expected to disrupt GJA1 protein function. For these reasons, this variant has been classified as Pathogenic. ClinVar contains an entry for this variant (Variation ID: 1715214). This sequence change replaces asparagine, which is neutral and polar, with aspartic acid, which is acidic and polar, at codon 63 of the GJA1 protein (p.Asn63Asp). This missense change has been observed in individual(s) with occulo dento digital syndrome (Invitae). In at least one individual the variant was observed to be de novo. This variant is not present in population databases (gnomAD no frequency).

NM_000165.5(GJA1):c.187A>G (p.Asn63Asp)

Gene: GJA1 (gap junction protein alpha 1; plus strand). Cytogenetic location: 6q22.31.
Variant type: single nucleotide variant.
Coding change: c.187A>G on transcript NM_000165.5 (MANE Select); coding-DNA position 187, A replaced by G.
Protein change: p.Asn63Asp; replaces asparagine 63 with aspartic acid.
Molecular consequence: missense variant.
Genome position (GRCh38, 1-based): chr6:121,447,034, A>G. VCF-style: chr6-121447034-A-G. GRCh37 (hg19) VCF-style: chr6-121768180-A-G.
Other names: short protein forms N63D.
Identifiers: ClinVar variation 1715214 (VCV001715214.5), dbSNP rs1773900443, ClinGen allele CA365558162.